The following is an entry in ClinVar:

NM_000526.5(KRT14):c.1336C>T (p.Arg446Cys)

Gene: KRT14 (keratin 14; minus strand). Cytogenetic location: 17q21.2.
Variant type: single nucleotide variant.
Coding change: c.1336C>T on transcript NM_000526.5 (MANE Select); coding-DNA position 1336, C replaced by T.
Protein change: p.Arg446Cys; replaces arginine 446 with cysteine.
Molecular consequence: missense variant.
Genome position (GRCh38, 1-based): chr17:41,582,518, G>A on the plus strand (C>T on the coding strand, the complement: KRT14 is on the minus strand). VCF-style: chr17-41582518-G-A. GRCh37 (hg19) VCF-style: chr17-39738770-G-A.
Other names: short protein forms R446C.
Identifiers: ClinVar variation 2995724 (VCV002995724.3), dbSNP rs576427037, ClinGen allele CA290664571.
Genomic context (GRCh38, chr17:41,582,518, plus strand): 5'-GCTCGTGGGTGGACACCACCTTGCCATCGTGCACATCCATGACCTTGGTGCGGATTTGGC[G>A]GCTGGAGGAGGTCACTGGGGAAGAGGTGGGAAGAGGACGTTACCAGAGGTGGACAGACAA-3'
Protein context (NP_000517.3, residues 436-456): QSSRDVTSSS[Arg446Cys]QIRTKVMDVH

ClinVar aggregate classification (germline): Uncertain significance (1 of 4 stars; one submission).

Allele frequency attached by ClinVar (database versions not stated): TOPMed below 0.00001; gnomAD exomes 0.00001; gnomAD 0.00002; 1000 Genomes Project 30x 0.00031; 1000 Genomes Project 0.00040.
gnomAD v4.1: 14 of 1,565,062 alleles (0.00089%); highest among the groups gnomAD compares: Middle Eastern, 0.017%; no homozygotes.

Submission:

Labcorp Genetics (formerly Invitae), Labcorp
Classification: Uncertain significance. Last evaluated: 2022-12-03. Review status: criteria provided, single submitter. Criteria: Invitae Variant Classification Sherloc (09022015). Collection method: clinical testing. Allele origin: germline.
Comment: Advanced modeling of protein sequence and biophysical properties (such as structural, functional, and spatial information, amino acid conservation, physicochemical variation, residue mobility, and thermodynamic stability) performed at Invitae indicates that this missense variant is expected to disrupt KRT14 protein function. In summary, the available evidence is currently insufficient to determine the role of this variant in disease. Therefore, it has been classified as a Variant of Uncertain Significance. This variant has not been reported in the literature in individuals affected with KRT14-related conditions. The frequency data for this variant in the population databases is considered unreliable, as metrics indicate poor data quality at this position in the gnomAD database. This sequence change replaces arginine, which is basic and polar, with cysteine, which is neutral and slightly polar, at codon 446 of the KRT14 protein (p.Arg446Cys).